The following is an entry in ClinVar:

NM_000256.3(MYBPC3):c.313G>A (p.Ala105Thr)

Gene: MYBPC3 (myosin binding protein C3; minus strand). Cytogenetic location: 11p11.2.
Variant type: single nucleotide variant.
Coding change: c.313G>A on transcript NM_000256.3 (MANE Select); coding-DNA position 313, G replaced by A.
Protein change: p.Ala105Thr; replaces alanine 105 with threonine.
Molecular consequence: missense variant.
Genome position (GRCh38, 1-based): chr11:47,350,595, C>T on the plus strand (G>A on the coding strand, the complement: MYBPC3 is on the minus strand). VCF-style: chr11-47350595-C-T. GRCh37 (hg19) VCF-style: chr11-47372146-C-T.
Other names: short protein forms A105T.
Identifiers: ClinVar variation 1954405 (VCV001954405.4), dbSNP rs1595850248, ClinGen allele CA380341060.
Genomic context (GRCh38, chr11:47,350,595, plus strand): 5'-CGGCTGGGGCCGGGGCTTCTCCAGGGGCTCCAGTGGCCTCAGCAGGGGCAGGGGCAGGGG[C>T]CAGCATGGGCTCTGCCTTCTCTGGAGGGGATCAGATGGGAGTCGTGGTGCAGCCACTAAC-3'
Protein context (NP_000247.2, residues 95-115): IEAEKAEPML[Ala105Thr]PAPAPAEATG

ClinVar aggregate classification (germline): Uncertain significance (1 of 4 stars; one submission).

Conditions:
Hypertrophic cardiomyopathy. Also called: HYPERTROPHIC MYOCARDIOPATHY. Identifiers: Orphanet 217569, MedGen C0007194, MeSH D002312, MONDO:0005045, HP:0001639.

Submission:

Labcorp Genetics (formerly Invitae), Labcorp
Classification: Uncertain significance for Hypertrophic cardiomyopathy. Last evaluated: 2022-08-06. Review status: criteria provided, single submitter. Criteria: Invitae Variant Classification Sherloc (09022015). Collection method: clinical testing. Allele origin: germline.
Comment: This sequence change replaces alanine, which is neutral and non-polar, with threonine, which is neutral and polar, at codon 105 of the MYBPC3 protein (p.Ala105Thr). This variant is not present in population databases (gnomAD no frequency). This variant has not been reported in the literature in individuals affected with MYBPC3-related conditions. Algorithms developed to predict the effect of missense changes on protein structure and function output the following: SIFT: "Tolerated"; PolyPhen-2: "Benign"; Align-GVGD: "Class C0". The threonine amino acid residue is found in multiple mammalian species, which suggests that this missense change does not adversely affect protein function. In summary, the available evidence is currently insufficient to determine the role of this variant in disease. Therefore, it has been classified as a Variant of Uncertain Significance.